The following is an entry in ClinVar:

ClinVar aggregate classification (germline): Benign (1 of 4 stars; one submission).

Conditions:
Leigh syndrome (NULS). Also called: Leigh's necrotizing encephalopathy; Leigh's disease; Leigh Syndrome (mtDNA deletion); Leigh Disease; Subacute necrotizing encephalopathy; Necrotizing encephalopathy infantile subacute of Leigh. Identifiers: Orphanet 506, MedGen C2931891, MONDO:0009723, OMIM 256000.

Submission:

Wong Mito Lab, Molecular and Human Genetics, Baylor College of Medicine
Classification: Benign for Leigh syndrome. Last evaluated: 2019-10-17. Review status: criteria provided, single submitter. Criteria: Modified ACMG Guidelines (Unpublished). Collection method: clinical testing. Allele origin: germline.
Comment: The NC_012920.1:m.8435A>G (YP_003024030.1:p.Thr24Ala) variant in MTATP8 gene is interpretated to be a Benign variant based on the modified ACMG guidelines (unpublished). This variant meets the following evidence codes: BS1, BS2

NC_012920.1(MT-ATP8):m.8435A>G

Gene: MT-ATP8 (mitochondrially encoded ATP synthase 8; plus strand).
Variant type: single nucleotide variant.
Genome position: chrM-8435-A-G.
Identifiers: ClinVar variation 692858 (VCV000692858.1), dbSNP rs1603221481, ClinGen allele CA414796087.